The following is an entry in ClinVar:

ClinVar aggregate classification (germline): Uncertain significance (1 of 4 stars; one submission).

gnomAD v4.1: 2 of 1,552,800 alleles (0.00013%); highest among the groups gnomAD compares: Non-Finnish European, 0.00017%; no homozygotes.

Submission:

Ambry Genetics
Classification: Uncertain significance. Last evaluated: 2022-11-27. Review status: criteria provided, single submitter. Criteria: Ambry Variant Classification Scheme 2023. Collection method: clinical testing. Allele origin: germline.
Comment: The p.T3127I variant (also known as c.9380C>T), located in coding exon 67 of the PRKDC gene, results from a C to T substitution at nucleotide position 9380. The threonine at codon 3127 is replaced by isoleucine, an amino acid with similar properties. This amino acid position is conserved. Since supporting evidence is limited at this time, the clinical significance of this alteration remains unclear.

NM_006904.7(PRKDC):c.9380C>T (p.Thr3127Ile)

Gene: PRKDC (protein kinase, DNA-activated, catalytic subunit; minus strand). Cytogenetic location: 8q11.21.
Variant type: single nucleotide variant.
Coding change: c.9380C>T on transcript NM_006904.7 (MANE Select); coding-DNA position 9380, C replaced by T.
Protein change: p.Thr3127Ile; replaces threonine 3127 with isoleucine.
Molecular consequence: missense variant.
Genome position (GRCh38, 1-based): chr8:47,819,467, G>A on the plus strand (C>T on the coding strand, the complement: PRKDC is on the minus strand). VCF-style: chr8-47819467-G-A. GRCh37 (hg19) VCF-style: chr8-48732028-G-A.
Other names: c.9380C>T, p.Thr3127Ile (NM_001081640.2); short protein forms T3127I.
Identifiers: ClinVar variation 2497375 (VCV002497375.2), dbSNP rs1418662853, ClinGen allele CA371138247.
Genomic context (GRCh38, chr8:47,819,467, plus strand): 5'-TTGCTTATAAAGCTGATGAACTCCTGAATTTCTGTTAAAGCCTGTACAGACTGCAATTTG[G>A]TGAGTCTACTTTGGTGTAAGAGGACATCAATACTAGAATAATTCTTAAAAAAAAAAAAAA-3'
Protein context (NP_008835.5, residues 3117-3137): IDVLLHQSRL[Thr3127Ile]KLQSVQALTE